The following is an entry in ClinVar:

NM_000059.4(BRCA2):c.9863C>T (p.Thr3288Ile)

Gene: BRCA2 (BRCA2 DNA repair associated; plus strand). Cytogenetic location: 13q13.1.
Variant type: single nucleotide variant.
Coding change: c.9863C>T on transcript NM_000059.4 (MANE Select); coding-DNA position 9863, C replaced by T.
Protein change: p.Thr3288Ile; replaces threonine 3288 with isoleucine.
Molecular consequence: missense variant.
Genome position (GRCh38, 1-based): chr13:32,398,376, C>T. VCF-style: chr13-32398376-C-T. GRCh37 (hg19) VCF-style: chr13-32972513-C-T.
Other names: short protein forms T3288I.
Identifiers: ClinVar variation 216267 (VCV000216267.20), dbSNP rs754588394, ClinGen allele CA335726.

ClinVar aggregate classification (germline): Uncertain significance. Review status: criteria provided, multiple submitters, no conflicts (2 of 4 stars). 6 submissions from 6 submitters: Uncertain significance (6). Last evaluated 2026-01-01.

Conditions:
Familial prostate cancer. Also called: Hereditary Prostate Cancer. Identifiers: MedGen C2931456, MONDO:0700275, OMIM 176807.
Hereditary cancer-predisposing syndrome. Also called: Neoplastic Syndromes, Hereditary; Tumor predisposition; Hereditary neoplastic syndrome; Hereditary Cancer Syndrome. Identifiers: Orphanet 140162, MedGen C0027672, MeSH D009386, MONDO:0015356.
Hereditary breast ovarian cancer syndrome. Also called: Hereditary breast and ovarian cancer syndrome; Hereditary breast and ovarian cancer syndrome (HBOC); Breast and ovarian cancer; BRCA1- and BRCA2-Associated Hereditary Breast and Ovarian Cancer; Hereditary breast and/or ovarian cancer syndrome; Hereditary breast and ovarian cancer. Identifiers: Orphanet 145, MedGen C0677776, MeSH D061325, MONDO:0003582. Disease mechanism: loss of function.

Allele frequency attached by ClinVar (database versions not stated): ExAC 0.00001; gnomAD 0.00001; gnomAD exomes 0.00001 and 0.00002.
gnomAD v4.1: 10 of 1,614,026 alleles (0.00062%); highest among the groups gnomAD compares: South Asian, 0.0066%; no homozygotes.

Submissions (6):

Labcorp Genetics (formerly Invitae), Labcorp
Classification: Uncertain significance for Hereditary breast ovarian cancer syndrome. Last evaluated: 2026-01-01. Review status: criteria provided, single submitter. Criteria: Invitae Variant Classification Sherloc (09022015). Collection method: clinical testing. Allele origin: germline.
Comment: This sequence change replaces threonine, which is neutral and polar, with isoleucine, which is neutral and non-polar, at codon 3288 of the BRCA2 protein (p.Thr3288Ile). This variant is present in population databases (rs754588394, gnomAD 0.01%). This missense change has been observed in individual(s) with clinical features of hereditary breast and ovarian cancer syndrome (PMID: 24010542, 29335924, 31159747). ClinVar contains an entry for this variant (Variation ID: 216267). Invitae Evidence Modeling of protein sequence and biophysical properties (such as structural, functional, and spatial information, amino acid conservation, physicochemical variation, residue mobility, and thermodynamic stability) indicates that this missense variant is not expected to disrupt BRCA2 protein function with a negative predictive value of 95%. In summary, the available evidence is currently insufficient to determine the role of this variant in disease. Therefore, it has been classified as a Variant of Uncertain Significance.

Ambry Genetics
Classification: Uncertain significance for Hereditary cancer-predisposing syndrome. Last evaluated: 2024-05-22. Review status: criteria provided, single submitter. Criteria: Ambry Variant Classification Scheme 2023. Collection method: clinical testing. Allele origin: germline.
Comment: The p.T3288I variant (also known as c.9863C>T), located in coding exon 26 of the BRCA2 gene, results from a C to T substitution at nucleotide position 9863. The threonine at codon 3288 is replaced by isoleucine, an amino acid with similar properties. This alteration has been detected in multiple individuals with a personal and/or family history of breast and/or ovarian cancer (Konstantopoulou I et al. Clin. Genet., 2014 Jan;85:36-42; Jakimovska M et al. Breast Cancer Res. Treat., 2018 Apr;168:745-753; Tsaousis GN et al. BMC Cancer, 2019 Jun;19:535). This amino acid position is well conserved in available vertebrate species. In addition, this alteration is predicted to be tolerated by in silico analysis. Based on the available evidence, the clinical significance of this variant remains unclear.

Color Diagnostics, LLC DBA Color Health
Classification: Uncertain significance for Hereditary cancer-predisposing syndrome. Last evaluated: 2023-10-09. Review status: criteria provided, single submitter. Criteria: ACMG Guidelines, 2015. Collection method: clinical testing. Allele origin: germline.
Comment: This missense variant replaces threonine with isoleucine at codon 3288 of the BRCA2 protein. Computational prediction suggests that this variant may not impact protein structure and function (internally defined REVEL score threshold <= 0.5, PMID: 27666373). To our knowledge, functional studies have not been reported for this variant. This variant has been reported in at least two individuals affected with breast cancer (PMID: 24010542, 29335924, 31159747). This variant has been identified in 5/282618 chromosomes in the general population by the Genome Aggregation Database (gnomAD). The available evidence is insufficient to determine the role of this variant in disease conclusively. Therefore, this variant is classified as a Variant of Uncertain Significance.

Quest Diagnostics Nichols Institute San Juan Capistrano
Classification: Uncertain significance. Last evaluated: 2023-06-08. Review status: criteria provided, single submitter. Criteria: Quest Diagnostics criteria. Collection method: clinical testing. Allele origin: unknown.
Comment: In the published literature, this variant has been reported in individuals with breast and/or ovarian cancer (PMID: 24010542 (2014), 29335924 (2018), 31159747 (2019)). The frequency of this variant in the general population, 0.00013 (4/30608 chromosomes (Genome Aggregation Database)), is uninformative in the assessment of its pathogenicity. Analysis of this variant using bioinformatics tools for the prediction of the effect of amino acid changes on protein structure and function yielded conflicting predictions that this variant is benign or damaging. Based on the available information, we are unable to determine the clinical significance of this variant.

Department of Pathology and Laboratory Medicine, Sinai Health System
Classification: Uncertain significance for Familial prostate cancer. Last evaluated: 2021-11-29. Review status: criteria provided, single submitter. Criteria: ACMG Guidelines, 2015. Collection method: clinical testing. Allele origin: germline. Affected: yes.

GeneKor MSA
Classification: Uncertain significance for Hereditary cancer-predisposing syndrome. Last evaluated: 2018-08-01. Review status: criteria provided, single submitter. Criteria: ACMG Guidelines, 2015. Collection method: clinical testing. Allele origin: germline. Affected: yes.

Literature cited by the submitters: PubMed 24010542 (cited by 5 submitters); PubMed 29335924 (cited by 5 submitters); PubMed 31159747 (cited by 5 submitters).